The following is an entry in ClinVar:

NM_003483.6(HMGA2):c.154C>T (p.Pro52Ser)

Gene: HMGA2 (high mobility group AT-hook 2; plus strand). Cytogenetic location: 12q14.3.
Variant type: single nucleotide variant.
Coding change: c.154C>T on transcript NM_003483.6 (MANE Select); coding-DNA position 154, C replaced by T.
Protein change: p.Pro52Ser; replaces proline 52 with serine.
Molecular consequence: missense variant.
Genome position (GRCh38, 1-based): chr12:65,828,043, C>T. VCF-style: chr12-65828043-C-T. GRCh37 (hg19) VCF-style: chr12-66221823-C-T.
Other names: c.154C>T, p.Pro52Ser (NM_001300918.1, NM_001300919.1, NM_001330190.1 and 1 more transcripts); short protein forms P52S.
Identifiers: ClinVar variation 1712612 (VCV001712612.3), dbSNP rs1870297238, ClinGen allele CA385678738.

ClinVar aggregate classification (germline): Uncertain significance (1 of 4 stars; one submission).

Submission:

GeneDx
Classification: Uncertain significance. Last evaluated: 2023-05-31. Review status: criteria provided, single submitter. Criteria: GeneDx Variant Classification Process June 2021. Collection method: clinical testing. Allele origin: germline.
Comment: Not observed at significant frequency in large population cohorts (gnomAD); In silico analysis supports that this missense variant has a deleterious effect on protein structure/function; Has not been previously published as pathogenic or benign to our knowledge